The following is an entry in ClinVar:

ClinVar aggregate classification (germline): Uncertain significance (1 of 4 stars; one submission).

Submission:

Labcorp Genetics (formerly Invitae), Labcorp
Classification: Uncertain significance. Last evaluated: 2024-04-08. Review status: criteria provided, single submitter. Criteria: Invitae Variant Classification Sherloc (09022015). Collection method: clinical testing. Allele origin: germline.
Comment: This sequence change replaces proline, which is neutral and non-polar, with leucine, which is neutral and non-polar, at codon 367 of the MMP13 protein (p.Pro367Leu). This variant is not present in population databases (gnomAD no frequency). This variant has not been reported in the literature in individuals affected with MMP13-related conditions. Advanced modeling of protein sequence and biophysical properties (such as structural, functional, and spatial information, amino acid conservation, physicochemical variation, residue mobility, and thermodynamic stability) performed at Invitae indicates that this missense variant is expected to disrupt MMP13 protein function with a positive predictive value of 80%. In summary, the available evidence is currently insufficient to determine the role of this variant in disease. Therefore, it has been classified as a Variant of Uncertain Significance.

NM_002427.4(MMP13):c.1100C>T (p.Pro367Leu)

Gene: MMP13 (matrix metallopeptidase 13; minus strand). Cytogenetic location: 11q22.2.
Variant type: single nucleotide variant.
Coding change: c.1100C>T on transcript NM_002427.4 (MANE Select); coding-DNA position 1100, C replaced by T.
Protein change: p.Pro367Leu; replaces proline 367 with leucine.
Molecular consequence: missense variant.
Genome position (GRCh38, 1-based): chr11:102,948,002, G>A on the plus strand (C>T on the coding strand, the complement: MMP13 is on the minus strand). VCF-style: chr11-102948002-G-A. GRCh37 (hg19) VCF-style: chr11-102818731-G-A.
Other names: short protein forms P367L.
Identifiers: ClinVar variation 3676658 (VCV003676658.2).